The following is an entry in ClinVar:

NM_152743.4(BRAT1):c.1238G>A (p.Gly413Asp)

Gene: BRAT1 (BRCA1 associated ATM activator 1; minus strand). Cytogenetic location: 7p22.3.
Variant type: single nucleotide variant.
Coding change: c.1238G>A on transcript NM_152743.4 (MANE Select); coding-DNA position 1238, G replaced by A.
Protein change: p.Gly413Asp; replaces glycine 413 with aspartic acid.
Molecular consequence: missense variant. On other transcripts: non-coding transcript variant (1).
Genome position (GRCh38, 1-based): chr7:2,541,381, C>T on the plus strand (G>A on the coding strand, the complement: BRAT1 is on the minus strand). VCF-style: chr7-2541381-C-T. GRCh37 (hg19) VCF-style: chr7-2581015-C-T.
Other names: c.1238G>A (NM_152743.3); c.1238G>A, p.Gly413Asp (NM_001350626.2); c.713G>A, p.Gly238Asp (NM_001350627.2); short protein forms G238D, G413D.
Identifiers: ClinVar variation 1035894 (VCV001035894.9), dbSNP rs370618913, ClinGen allele CA4127869.

ClinVar aggregate classification (germline): Uncertain significance. Review status: criteria provided, multiple submitters, no conflicts (2 of 4 stars). 2 submissions from 2 submitters: Uncertain significance (2). Last evaluated 2025-04-05.

Conditions:
Neonatal-onset encephalopathy with rigidity and seizures. Also called: Lethal neonatal spasticity-epileptic encephalopathy syndrome. Identifiers: Orphanet 435845, MedGen C3281029, MONDO:0013784, OMIM 614498.
Inborn genetic diseases. Identifiers: MedGen C0950123, MeSH D030342.

Allele frequency attached by ClinVar (database versions not stated): ExAC below 0.00001; gnomAD exomes below 0.00001 and 0.00001; TOPMed 0.00003; gnomAD 0.00005; ESP Exome Variant Server 0.00008.
gnomAD v4.1: 11 of 1,606,910 alleles (0.00068%); highest among the groups gnomAD compares: African/African-American, 0.011%; no homozygotes.

Submissions (2):

Ambry Genetics
Classification: Uncertain significance for Inborn genetic diseases. Last evaluated: 2025-04-05. Review status: criteria provided, single submitter. Criteria: Ambry Variant Classification Scheme 2023. Collection method: clinical testing. Allele origin: germline.

Labcorp Genetics (formerly Invitae), Labcorp
Classification: Uncertain significance for Neonatal-onset encephalopathy with rigidity and seizures. Last evaluated: 2024-02-17. Review status: criteria provided, single submitter. Criteria: Invitae Variant Classification Sherloc (09022015). Collection method: clinical testing. Allele origin: germline.
Comment: This sequence change replaces glycine, which is neutral and non-polar, with aspartic acid, which is acidic and polar, at codon 413 of the BRAT1 protein (p.Gly413Asp). The frequency data for this variant in the population databases is considered unreliable, as metrics indicate poor data quality at this position in the gnomAD database. This variant has not been reported in the literature in individuals affected with BRAT1-related conditions. ClinVar contains an entry for this variant (Variation ID: 1035894). Advanced modeling of protein sequence and biophysical properties (such as structural, functional, and spatial information, amino acid conservation, physicochemical variation, residue mobility, and thermodynamic stability) performed at Invitae indicates that this missense variant is not expected to disrupt BRAT1 protein function with a negative predictive value of 80%. In summary, the available evidence is currently insufficient to determine the role of this variant in disease. Therefore, it has been classified as a Variant of Uncertain Significance.